The following is an entry in ClinVar:

NM_017934.7(PHIP):c.1563A>G (p.Lys521=)

Gene: PHIP (PHIP subunit of CUL4-Ring ligase complex; minus strand). Cytogenetic location: 6q14.1.
Variant type: single nucleotide variant.
Coding change: c.1563A>G on transcript NM_017934.7 (MANE Select); coding-DNA position 1563, A replaced by G.
Protein change: p.Lys521=; no amino-acid change (lysine 521 retained).
Molecular consequence: synonymous variant.
Genome position (GRCh38, 1-based): chr6:79,003,820, T>C on the plus strand (A>G on the coding strand, the complement: PHIP is on the minus strand). VCF-style: chr6-79003820-T-C. GRCh37 (hg19) VCF-style: chr6-79713537-T-C.
Identifiers: ClinVar variation 1600285 (VCV001600285.33), dbSNP rs142963281, ClinGen allele CA3900140.

ClinVar aggregate classification (germline): Benign/Likely benign. Review status: criteria provided, multiple submitters, no conflicts (2 of 4 stars). 3 submissions from 3 submitters: Benign (1); Likely benign (2). Last evaluated 2026-01-28.

Allele frequency attached by ClinVar (database versions not stated): 1000 Genomes Project 30x 0.00016; 1000 Genomes Project 0.00020; TOPMed 0.00092; gnomAD 0.00109 and 0.00118; gnomAD exomes 0.00121 and 0.00183; ExAC 0.00125; ESP Exome Variant Server 0.00154.
gnomAD v4.1: 2,788 of 1,610,118 alleles (0.17%); highest among the groups gnomAD compares: Non-Finnish European, 0.21%; 4 homozygotes.

Submissions (3):

Labcorp Genetics (formerly Invitae), Labcorp
Classification: Benign. Last evaluated: 2026-01-28. Review status: criteria provided, single submitter. Criteria: Invitae Variant Classification Sherloc (09022015). Collection method: clinical testing. Allele origin: germline.

CeGaT Center for Human Genetics Tuebingen
Classification: Likely benign. Last evaluated: 2025-10-01. Review status: criteria provided, single submitter. Criteria: CeGaT Center For Human Genetics Tuebingen Variant Classification Criteria Version 2. Collection method: clinical testing. Allele origin: germline. Affected: yes. Observed: 6 variant alleles.
Comment: PHIP: BP4, BP7

Blueprint Genetics
Classification: Likely benign. Last evaluated: 2024-11-04. Review status: criteria provided, single submitter. Criteria: ACMG Guidelines, 2015. Collection method: clinical testing. Allele origin: germline.